The following is an entry in ClinVar:

ClinVar aggregate classification (germline): Conflicting classifications of pathogenicity. Review status: criteria provided, conflicting classifications (1 of 4 stars). 2 submissions from 2 submitters: Uncertain significance (1); Likely benign (1). Last evaluated 2023-08-20.

Conditions:
Hereditary breast ovarian cancer syndrome. Also called: Breast and ovarian cancer; Hereditary breast and ovarian cancer syndrome (HBOC); Hereditary breast and ovarian cancer; Hereditary breast and/or ovarian cancer syndrome; BRCA1- and BRCA2-Associated Hereditary Breast and Ovarian Cancer; Hereditary breast and ovarian cancer syndrome. Identifiers: Orphanet 145, MedGen C0677776, MeSH D061325, MONDO:0003582. Disease mechanism: loss of function.
Hereditary cancer-predisposing syndrome. Also called: Hereditary Cancer Syndrome; Neoplastic Syndromes, Hereditary; Tumor predisposition; Hereditary neoplastic syndrome. Identifiers: Orphanet 140162, MedGen C0027672, MeSH D009386, MONDO:0015356.

Submissions (2):

Labcorp Genetics (formerly Invitae), Labcorp
Classification: Uncertain significance for Hereditary breast ovarian cancer syndrome. Last evaluated: 2023-08-20. Review status: criteria provided, single submitter. Criteria: Invitae Variant Classification Sherloc (09022015). Collection method: clinical testing. Allele origin: germline.
Comment: In summary, the available evidence is currently insufficient to determine the role of this variant in disease. Therefore, it has been classified as a Variant of Uncertain Significance. Advanced modeling of protein sequence and biophysical properties (such as structural, functional, and spatial information, amino acid conservation, physicochemical variation, residue mobility, and thermodynamic stability) performed at Invitae indicates that this missense variant is not expected to disrupt BRCA2 protein function. This variant is not present in population databases (gnomAD no frequency). This variant has not been reported in the literature in individuals affected with BRCA2-related conditions. This sequence change replaces methionine, which is neutral and non-polar, with threonine, which is neutral and polar, at codon 965 of the BRCA2 protein (p.Met965Thr). ClinVar contains an entry for this variant (Variation ID: 1021249).

University of Washington Department of Laboratory Medicine, University of Washington
Classification: Likely benign for Hereditary cancer-predisposing syndrome. Last evaluated: 2023-03-23. Review status: criteria provided, single submitter. Criteria: Dines et al. (Genet Med. 2020). Collection method: curation. Allele origin: germline.
Comment: Missense variant in a coldspot region where missense variants are very unlikely to be pathogenic (PMID:31911673).

BRCA2 exon 11 coldspot. Reclassification based on statistical prior probability.

NM_000059.4(BRCA2):c.2894T>C (p.Met965Thr)

Gene: BRCA2 (BRCA2 DNA repair associated; plus strand). Cytogenetic location: 13q13.1.
Variant type: single nucleotide variant.
Coding change: c.2894T>C on transcript NM_000059.4 (MANE Select); coding-DNA position 2894, T replaced by C.
Protein change: p.Met965Thr; replaces methionine 965 with threonine.
Molecular consequence: missense variant.
Genome position (GRCh38, 1-based): chr13:32,337,249, T>C. VCF-style: chr13-32337249-T-C. GRCh37 (hg19) VCF-style: chr13-32911386-T-C.
Other names: short protein forms M965T.
Identifiers: ClinVar variation 1021249 (VCV001021249.10), dbSNP rs2072467391, ClinGen allele CA387774135.